The following is an entry in ClinVar:

NM_005685.4(GTF2IRD1):c.147C>T (p.Asn49=)

Gene: GTF2IRD1 (GTF2I repeat domain containing 1; plus strand). Cytogenetic location: 7q11.23.
Variant type: single nucleotide variant.
Coding change: c.147C>T on transcript NM_005685.4 (MANE Select); coding-DNA position 147, C replaced by T.
Protein change: p.Asn49=; no amino-acid change (asparagine 49 retained).
Molecular consequence: synonymous variant.
Genome position (GRCh38, 1-based): chr7:74,512,853, C>T. VCF-style: chr7-74512853-C-T. GRCh37 (hg19) VCF-style: chr7-73927183-C-T.
Other names: c.147C>T, p.Asn49= (NM_001199207.2, NM_001410888.1, NM_016328.3).
Identifiers: ClinVar variation 3052850 (VCV003052850.2), dbSNP rs565790840, ClinGen allele CA4296412.

ClinVar aggregate classification (germline): Likely benign (0 of 4 stars; one submission).

Conditions:
GTF2IRD1-related disorder. Also called: GTF2IRD1-related condition.

Allele frequency attached by ClinVar (database versions not stated): gnomAD 0.00001; gnomAD exomes 0.00003; TOPMed 0.00005; ExAC 0.00007; 1000 Genomes Project 30x 0.00016; 1000 Genomes Project 0.00020.
gnomAD v4.1: 51 of 1,614,046 alleles (0.0032%); highest among the groups gnomAD compares: South Asian, 0.013%; no homozygotes.

Submission:

PreventionGenetics, part of Exact Sciences
Classification: Likely benign for GTF2IRD1-related condition. Last evaluated: 2019-09-05. Review status: no assertion criteria provided. Collection method: clinical testing. Allele origin: germline.
Comment: This variant is classified as likely benign based on ACMG/AMP sequence variant interpretation guidelines (Richards et al. 2015 PMID: 25741868, with internal and published modifications).